The following is an entry in ClinVar:

NM_005765.3(ATP6AP2):c.961G>A (p.Val321Met)

Gene: ATP6AP2 (ATPase H+ transporting accessory protein 2; plus strand). Cytogenetic location: Xp11.4.
Variant type: single nucleotide variant.
Coding change: c.961G>A on transcript NM_005765.3 (MANE Select); coding-DNA position 961, G replaced by A.
Protein change: p.Val321Met; replaces valine 321 with methionine.
Molecular consequence: missense variant.
Genome position (GRCh38, 1-based): chrX:40,605,663, G>A. VCF-style: chrX-40605663-G-A. GRCh37 (hg19) VCF-style: chrX-40464915-G-A.
Other names: short protein forms V321M.
Identifiers: ClinVar variation 1511062 (VCV001511062.6), dbSNP rs2146547252, ClinGen allele CA412758998.

ClinVar aggregate classification (germline): Uncertain significance (1 of 4 stars; one submission).

Conditions:
Intellectual developmental disorder, X-linked, syndromic, Hedera type. Also called: Syndromic X-linked intellectual disability Hedera type. Identifiers: Orphanet 93952, MedGen C1845543, MONDO:0010319, OMIM 300423.

Submission:

Labcorp Genetics (formerly Invitae), Labcorp
Classification: Uncertain significance for Intellectual developmental disorder, X-linked, syndromic, Hedera type. Last evaluated: 2025-02-03. Review status: criteria provided, single submitter. Criteria: Invitae Variant Classification Sherloc (09022015). Collection method: clinical testing. Allele origin: germline.
Comment: This sequence change replaces valine, which is neutral and non-polar, with methionine, which is neutral and non-polar, at codon 321 of the ATP6AP2 protein (p.Val321Met). This variant is not present in population databases (gnomAD no frequency). This variant has not been reported in the literature in individuals affected with ATP6AP2-related conditions. ClinVar contains an entry for this variant (Variation ID: 1511062). Invitae Evidence Modeling of protein sequence and biophysical properties (such as structural, functional, and spatial information, amino acid conservation, physicochemical variation, residue mobility, and thermodynamic stability) indicates that this missense variant is not expected to disrupt ATP6AP2 protein function with a negative predictive value of 80%. In summary, the available evidence is currently insufficient to determine the role of this variant in disease. Therefore, it has been classified as a Variant of Uncertain Significance.